The following is an entry in ClinVar:

NM_001018115.3(FANCD2):c.2345T>C (p.Met782Thr)

Genes: FANCD2 (FA complementation group D2; plus strand), LOC107303338 (3p25 FANCD2 Alu-mediated recombination region; plus strand). Cytogenetic location: 3p25.3.
Variant type: single nucleotide variant.
Coding change: c.2345T>C on transcript NM_001018115.3 (MANE Select); coding-DNA position 2345, T replaced by C.
Protein change: p.Met782Thr; replaces methionine 782 with threonine.
Molecular consequence: missense variant.
Genome position (GRCh38, 1-based): chr3:10,065,939, T>C. VCF-style: chr3-10065939-T-C. GRCh37 (hg19) VCF-style: chr3-10107623-T-C.
Other names: c.2345T>C, p.Met782Thr (NM_001319984.2, NM_001374254.1, NM_033084.6); c.2234T>C, p.Met745Thr (NM_001374253.1); short protein forms M745T, M782T.
Identifiers: ClinVar variation 1058412 (VCV001058412.13), dbSNP rs760428640, ClinGen allele CA2250042.

ClinVar aggregate classification (germline): Uncertain significance. Review status: criteria provided, multiple submitters, no conflicts (2 of 4 stars). 6 submissions from 6 submitters: Uncertain significance (6). Last evaluated 2025-01-20.

Conditions:
Fanconi anemia (FA). Also called: Fanconi's anemia. Identifiers: Orphanet 84, MedGen C0015625, MeSH D005199, MONDO:0019391.
Inborn genetic diseases. Identifiers: MedGen C0950123, MeSH D030342.
Fanconi anemia complementation group D2. Also called: FANCD2-Related Fanconi Anemia; FANCONI PANCYTOPENIA, TYPE 4; FANCONI ANEMIA, COMPLEMENTATION GROUP D. Identifiers: Orphanet 84, MedGen C3160738, MONDO:0009214, OMIM 227646.

Allele frequency attached by ClinVar (database versions not stated): ExAC 0.00002; gnomAD exomes 0.00002 and 0.00003; gnomAD 0.00006; TOPMed 0.00014.
gnomAD v4.1: 23 of 1,613,354 alleles (0.0014%); highest among the groups gnomAD compares: Middle Eastern, 0.033%; no homozygotes.

Submissions (6):

Labcorp Genetics (formerly Invitae), Labcorp
Classification: Uncertain significance for Fanconi anemia. Last evaluated: 2025-01-20. Review status: criteria provided, single submitter. Criteria: Invitae Variant Classification Sherloc (09022015). Collection method: clinical testing. Allele origin: germline.
Comment: This sequence change replaces methionine, which is neutral and non-polar, with threonine, which is neutral and polar, at codon 782 of the FANCD2 protein (p.Met782Thr). This variant is present in population databases (rs760428640, gnomAD 0.003%). This variant has not been reported in the literature in individuals affected with FANCD2-related conditions. ClinVar contains an entry for this variant (Variation ID: 1058412). Invitae Evidence Modeling of protein sequence and biophysical properties (such as structural, functional, and spatial information, amino acid conservation, physicochemical variation, residue mobility, and thermodynamic stability) has been performed for this missense variant. However, the output from this modeling did not meet the statistical confidence thresholds required to predict the impact of this variant on FANCD2 protein function. In summary, the available evidence is currently insufficient to determine the role of this variant in disease. Therefore, it has been classified as a Variant of Uncertain Significance.

Ambry Genetics
Classification: Uncertain significance for Inborn genetic diseases. Last evaluated: 2023-11-06. Review status: criteria provided, single submitter. Criteria: Ambry Variant Classification Scheme 2023. Collection method: clinical testing. Allele origin: germline.

Sema4
Classification: Uncertain significance for Fanconi anemia. Last evaluated: 2021-11-30. Review status: criteria provided, single submitter. Criteria: Sema4 Curation Guidelines. Collection method: curation. Allele origin: germline.
Comment: The FANCD2 c.2345T>C (p.M782T) variant has not been reported in the literature to our knowledge. It was observed in 1/34590 chromosomes of the Latino subpopulation in the large and broad cohorts of the Genome Aggregation Database (PMID: 32461654). The variant has been reported in ClinVar (Variation ID: 1058412). Functional studies have not been performed, and in silico predictions of the variant's effect on protein function are inconclusive. The evidence is insufficient to meet ACMG/AMP criteria for classifying the variant as benign or pathogenic. Thus, the clinical significance of this variant is currently uncertain.

Fulgent Genetics
Classification: Uncertain significance for Fanconi anemia complementation group D2. Last evaluated: 2021-07-26. Review status: criteria provided, single submitter. Criteria: ACMG Guidelines, 2015. Collection method: clinical testing. Allele origin: unknown.

New York Genome Center
Classification: Uncertain significance for Fanconi anemia complementation group D2. Last evaluated: 2021-01-30. Review status: criteria provided, single submitter. Criteria: NYGC Assertion Criteria 2020. Collection method: clinical testing. Allele origin: inherited. Observed: 1 heterozygote. Study: CSER-NYCKidSeq.

Breakthrough Genomics
Classification: Uncertain significance. Review status: criteria provided, single submitter. Criteria: ACMG Guidelines, 2015. Collection method: not provided. Allele origin: germline. Inheritance: Autosomal recessive inheritance. Affected: yes.